The following is an entry in ClinVar:

NM_001369268.1(ACAN):c.2125G>A (p.Val709Met)

Gene: ACAN (aggrecan; plus strand). Cytogenetic location: 15q26.1.
Variant type: single nucleotide variant.
Coding change: c.2125G>A on transcript NM_001369268.1 (MANE Select); coding-DNA position 2125, G replaced by A.
Protein change: p.Val709Met; replaces valine 709 with methionine.
Molecular consequence: missense variant.
Genome position (GRCh38, 1-based): chr15:88,851,892, G>A. VCF-style: chr15-88851892-G-A. GRCh37 (hg19) VCF-style: chr15-89395123-G-A.
Other names: c.2125G>A, p.Val709Met (NM_001135.4, NM_001411096.1, NM_001411097.1 and 1 more transcripts); short protein forms V709M.
Identifiers: ClinVar variation 4739519 (VCV004739519.1).
Genomic context (GRCh38, chr15:88,851,892, plus strand): 5'-GGCACACCCACATCACCCTCTGGTGTGGAGGAGTGGATCGTGACCCAAGTGGTTCCTGGT[G>A]TGGCTGCTGTCCCCGTAGAAGAGGAGACAACTGCTGTACCCTCAGGGGAGACTACTGCCA-3'
Protein context (NP_001356197.1, residues 699-719): EWIVTQVVPG[Val709Met]AAVPVEEETT

ClinVar aggregate classification (germline): Uncertain significance (1 of 4 stars; one submission).

gnomAD v4.1: 8 of 1,612,368 alleles (0.0005%); highest among the groups gnomAD compares: Non-Finnish European, 0.00068%; no homozygotes.

Submission:

Labcorp Genetics (formerly Invitae), Labcorp
Classification: Uncertain significance. Last evaluated: 2025-12-24. Review status: criteria provided, single submitter. Criteria: Invitae Variant Classification Sherloc (09022015). Collection method: clinical testing. Allele origin: germline.
Comment: This sequence change replaces valine, which is neutral and non-polar, with methionine, which is neutral and non-polar, at codon 709 of the ACAN protein (p.Val709Met). The frequency data for this variant in the population databases is considered unreliable, as metrics indicate poor data quality at this position in the gnomAD database. This variant has not been reported in the literature in individuals affected with ACAN-related conditions. Invitae Evidence Modeling of protein sequence and biophysical properties (such as structural, functional, and spatial information, amino acid conservation, physicochemical variation, residue mobility, and thermodynamic stability) indicates that this missense variant is not expected to disrupt ACAN protein function with a negative predictive value of 80%. In summary, the available evidence is currently insufficient to determine the role of this variant in disease. Therefore, it has been classified as a Variant of Uncertain Significance.